The following is an entry in ClinVar:

NM_031229.4(RBCK1):c.993G>A (p.Ser331=)

Gene: RBCK1 (RANBP2-type and C3HC4-type zinc finger containing 1; plus strand). Cytogenetic location: 20p13.
Variant type: single nucleotide variant.
Coding change: c.993G>A on transcript NM_031229.4 (MANE Select); coding-DNA position 993, G replaced by A.
Protein change: p.Ser331=; no amino-acid change (serine 331 retained).
Molecular consequence: synonymous variant. On other transcripts: non-coding transcript variant (1).
Genome position (GRCh38, 1-based): chr20:422,202, G>A. VCF-style: chr20-422202-G-A. GRCh37 (hg19) VCF-style: chr20-402846-G-A.
Other names: p.Ser331=; c.483G>A, p.Ser161= (NM_001323956.2, NM_001323958.2); c.867G>A, p.Ser289= (NM_006462.6).
Identifiers: ClinVar variation 1547678 (VCV001547678.9), dbSNP rs750664557, ClinGen allele CA9723244.

ClinVar aggregate classification (germline): Likely benign. Review status: criteria provided, multiple submitters, no conflicts (2 of 4 stars). 2 submissions from 2 submitters: Likely benign (2). Last evaluated 2025-09-23.

Conditions:
Polyglucosan body myopathy type 1 (PGBM1). Also called: Polyglucosan body myopathy 1 with or without immunodeficiency; POLYGLUCOSAN BODY MYOPATHY WITHOUT IMMUNODEFICIENCY. Identifiers: Orphanet 329173, Orphanet 397937, MedGen C4014605, MONDO:0014389, OMIM 615895.

Allele frequency attached by ClinVar (database versions not stated): ExAC 0.00001; gnomAD exomes 0.00002.
gnomAD v4.1: 48 of 1,613,308 alleles (0.003%); highest among the groups gnomAD compares: East Asian, 0.0045%; no homozygotes.

Submissions (2):

Mayo Clinic Laboratories, Mayo Clinic
Classification: Likely benign. Last evaluated: 2025-09-23. Review status: criteria provided, single submitter. Criteria: ACMG Guidelines, 2015. Collection method: clinical testing. Allele origin: germline. Observed: 1 variant allele.
Comment: BP4, BP7

Labcorp Genetics (formerly Invitae), Labcorp
Classification: Likely benign for Polyglucosan body myopathy type 1. Last evaluated: 2024-03-16. Review status: criteria provided, single submitter. Criteria: Invitae Variant Classification Sherloc (09022015). Collection method: clinical testing. Allele origin: germline.